The following is an entry in ClinVar:

NM_006206.6(PDGFRA):c.281A>T (p.His94Leu)

Gene: PDGFRA (platelet derived growth factor receptor alpha; plus strand). Cytogenetic location: 4q12.
Variant type: single nucleotide variant.
Coding change: c.281A>T on transcript NM_006206.6 (MANE Select); coding-DNA position 281, A replaced by T.
Protein change: p.His94Leu; replaces histidine 94 with leucine.
Molecular consequence: missense variant.
Genome position (GRCh38, 1-based): chr4:54,261,326, A>T. VCF-style: chr4-54261326-A-T. GRCh37 (hg19) VCF-style: chr4-55127493-A-T.
Other names: c.281A>T, p.His94Leu (NM_001347827.2, NM_001347829.2); c.356A>T, p.His119Leu (NM_001347828.2); c.320A>T, p.His107Leu (NM_001347830.2); short protein forms H119L, H107L, H94L.
Identifiers: ClinVar variation 2453857 (VCV002453857.5), dbSNP rs2475423026, ClinGen allele CA356888773.

ClinVar aggregate classification (germline): Uncertain significance. Review status: criteria provided, multiple submitters, no conflicts (2 of 4 stars). 2 submissions from 2 submitters: Uncertain significance (2). Last evaluated 2024-01-30.

Conditions:
Hereditary cancer-predisposing syndrome. Also called: Hereditary Cancer Syndrome; Hereditary neoplastic syndrome; Neoplastic Syndromes, Hereditary; Tumor predisposition. Identifiers: Orphanet 140162, MedGen C0027672, MeSH D009386, MONDO:0015356.
Gastrointestinal stromal tumor. Also called: Gastrointestinal stromal tumor, somatic; Gastrointestinal stroma tumor. Identifiers: Orphanet 44890, MedGen C0238198, MeSH D046152, MONDO:0011719, OMIM 606764, HP:0100723.

Submissions (2):

Labcorp Genetics (formerly Invitae), Labcorp
Classification: Uncertain significance for Gastrointestinal stromal tumor. Last evaluated: 2024-01-30. Review status: criteria provided, single submitter. Criteria: Invitae Variant Classification Sherloc (09022015). Collection method: clinical testing. Allele origin: germline.
Comment: This sequence change replaces histidine, which is basic and polar, with leucine, which is neutral and non-polar, at codon 94 of the PDGFRA protein (p.His94Leu). This variant is not present in population databases (gnomAD no frequency). This variant has not been reported in the literature in individuals affected with PDGFRA-related conditions. ClinVar contains an entry for this variant (Variation ID: 2453857). Advanced modeling of protein sequence and biophysical properties (such as structural, functional, and spatial information, amino acid conservation, physicochemical variation, residue mobility, and thermodynamic stability) performed at Invitae indicates that this missense variant is not expected to disrupt PDGFRA protein function with a negative predictive value of 80%. In summary, the available evidence is currently insufficient to determine the role of this variant in disease. Therefore, it has been classified as a Variant of Uncertain Significance.

Ambry Genetics
Classification: Uncertain significance for Hereditary cancer-predisposing syndrome. Last evaluated: 2022-12-15. Review status: criteria provided, single submitter. Criteria: Ambry Variant Classification Scheme 2023. Collection method: clinical testing. Allele origin: germline.
Comment: The p.H94L variant (also known as c.281A>T), located in coding exon 2 of the PDGFRA gene, results from an A to T substitution at nucleotide position 281. The histidine at codon 94 is replaced by leucine, an amino acid with similar properties. This amino acid position is conserved. In addition, the in silico prediction for this alteration is inconclusive. Since supporting evidence is limited at this time, the clinical significance of this alteration remains unclear.